The following is an entry in ClinVar:

NM_032043.3(BRIP1):c.394A>T (p.Thr132Ser)

Gene: BRIP1 (BRCA1 interacting DNA helicase 1; minus strand). Cytogenetic location: 17q23.2.
Variant type: single nucleotide variant.
Coding change: c.394A>T on transcript NM_032043.3 (MANE Select); coding-DNA position 394, A replaced by T.
Protein change: p.Thr132Ser; replaces threonine 132 with serine.
Molecular consequence: missense variant.
Genome position (GRCh38, 1-based): chr17:61,849,242, T>A on the plus strand (A>T on the coding strand, the complement: BRIP1 is on the minus strand). VCF-style: chr17-61849242-T-A. GRCh37 (hg19) VCF-style: chr17-59926603-T-A.
Other names: p.T132S:ACC>TCC; short protein forms T132S.
Identifiers: ClinVar variation 182331 (VCV000182331.34), dbSNP rs730881623, ClinGen allele CA298828.

ClinVar aggregate classification (germline): Conflicting classifications of pathogenicity. Review status: criteria provided, conflicting classifications (1 of 4 stars). 11 submissions from 11 submitters: Uncertain significance (9); Likely benign (1). 1 of the submissions does not count toward it. Last evaluated 2026-01-04.

Conditions:
Ovarian cancer. Also called: OVARIAN CANCER, SOMATIC. Identifiers: Orphanet 213500, MedGen C1140680, MONDO:0008170, OMIM 167000.
Fanconi anemia complementation group J. Also called: BRIP1-Related Fanconi Anemia. Identifiers: Orphanet 84, MedGen C1836860, MONDO:0012187, OMIM 609054.
Familial ovarian cancer. Identifiers: MedGen C5679802, MONDO:0016248.
BRIP1-related disorder. Also called: BRIP1-related condition; BRIP1-related disorders. Identifiers: MedGen CN239206.
Familial cancer of breast. Also called: Hereditary breast cancer; BREAST CANCER, FAMILIAL; hereditary breast carcinoma. Identifiers: Orphanet 227535, MedGen C0346153, MONDO:0016419, OMIM 114480. Disease mechanism: loss of function.
Hereditary cancer-predisposing syndrome. Also called: Neoplastic Syndromes, Hereditary; Tumor predisposition; Hereditary neoplastic syndrome; Hereditary Cancer Syndrome. Identifiers: Orphanet 140162, MedGen C0027672, MeSH D009386, MONDO:0015356.

Allele frequency attached by ClinVar (database versions not stated): ExAC 0.00002; gnomAD 0.00002; gnomAD exomes 0.00002 and 0.00003; TOPMed 0.00003.
gnomAD v4.1: 51 of 1,612,644 alleles (0.0032%); highest among the groups gnomAD compares: Admixed American, 0.005%; no homozygotes.

Submissions (11):

Labcorp Genetics (formerly Invitae), Labcorp
Classification: Uncertain significance for Familial cancer of breast; Fanconi anemia complementation group J. Last evaluated: 2026-01-04. Review status: criteria provided, single submitter. Criteria: Invitae Variant Classification Sherloc (09022015). Collection method: clinical testing. Allele origin: germline.
Comment: This sequence change replaces threonine, which is neutral and polar, with serine, which is neutral and polar, at codon 132 of the BRIP1 protein (p.Thr132Ser). This variant is present in population databases (rs730881623, gnomAD 0.009%). This variant has not been reported in the literature in individuals affected with BRIP1-related conditions. ClinVar contains an entry for this variant (Variation ID: 182331). Invitae Evidence Modeling of protein sequence and biophysical properties (such as structural, functional, and spatial information, amino acid conservation, physicochemical variation, residue mobility, and thermodynamic stability) indicates that this missense variant is not expected to disrupt BRIP1 protein function with a negative predictive value of 95%. In summary, the available evidence is currently insufficient to determine the role of this variant in disease. Therefore, it has been classified as a Variant of Uncertain Significance.

Color Diagnostics, LLC DBA Color Health
Classification: Uncertain significance for Hereditary cancer-predisposing syndrome. Last evaluated: 2025-12-10. Review status: criteria provided, single submitter. Criteria: ACMG Guidelines, 2015. Collection method: clinical testing. Allele origin: germline.
Comment: This missense variant replaces threonine with serine at codon 132 of the BRIP1 protein. Computational prediction suggests that this variant may not impact protein structure and function. To our knowledge, functional studies have not been reported for this variant. This variant has been detected in a breast cancer case-control meta-analysis in 2/60466 cases and 5/53461 unaffected individuals (PMID: 33471991LOVD DB-ID BRIP1_000701). This variant has been identified in 51/1612644 chromosomes in the general population by the Genome Aggregation Database (gnomAD). The available evidence is insufficient to determine the role of this variant in disease conclusively. Therefore, this variant is classified as a Variant of Uncertain Significance.

GeneDx
Classification: Uncertain significance. Last evaluated: 2025-04-21. Review status: criteria provided, single submitter. Criteria: GeneDx Variant Classification Process June 2021. Collection method: clinical testing. Allele origin: germline. Affected: yes.
Comment: Observed in individuals with breast cancer as well as healthy controls (PMID: 33471991); In silico analysis indicates that this missense variant does not alter protein structure/function; This variant is associated with the following publications: (PMID: 33471991)

PreventionGenetics, part of Exact Sciences
Classification: Uncertain significance for BRIP1-related condition. Last evaluated: 2025-03-30. Review status: criteria provided, single submitter. Criteria: ACMG Guidelines, 2015. Collection method: clinical testing. Allele origin: germline.
Comment: The BRIP1 c.394A>T variant is predicted to result in the amino acid substitution p.Thr132Ser. To our knowledge, this variant has not been reported in the literature. This variant is reported in 0.0085% of alleles in individuals of Latino descent in gnomAD. This variant has an interpretation of uncertain significance by the majority of submitters in ClinVar. At this time, the clinical significance of this variant is uncertain due to the absence of conclusive functional and genetic evidence.

Department of Pathology and Laboratory Medicine, Sinai Health System
Classification: Uncertain significance for familial ovarian cancer. Last evaluated: 2024-12-19. Review status: criteria provided, single submitter. Criteria: ACMG Guidelines, 2015. Collection method: clinical testing. Allele origin: germline. Affected: no.

Ambry Genetics
Classification: Likely benign for Hereditary cancer-predisposing syndrome. Last evaluated: 2024-10-29. Review status: criteria provided, single submitter. Criteria: Ambry Variant Classification Scheme 2023. Collection method: clinical testing. Allele origin: germline.

Baylor Genetics
Classification: Uncertain significance for Familial cancer of breast. Last evaluated: 2024-03-11. Review status: criteria provided, single submitter. Criteria: ACMG Guidelines, 2015. Collection method: clinical testing. Allele origin: unknown.

Myriad Genetics, Inc.
Classification: Uncertain significance for Familial cancer of breast. Last evaluated: 2023-02-28. Review status: criteria provided, single submitter. Criteria: Myriad Autosomal Dominant, Autosomal Recessive and X-Linked Classification Criteria (2023). Collection method: clinical testing. Allele origin: unknown.
Comment: This variant is classified as a variant of uncertain significance as there is insufficient evidence to determine its impact on protein function and/or cancer risk.

Women's Health and Genetics/Laboratory Corporation of America, LabCorp
Classification: Uncertain significance. Last evaluated: 2022-09-29. Review status: criteria provided, single submitter. Criteria: LabCorp Variant Classification Summary - May 2015. Collection method: clinical testing. Allele origin: germline.

Sema4
Classification: Uncertain significance for Hereditary cancer-predisposing syndrome. Last evaluated: 2021-10-27. Review status: criteria provided, single submitter. Criteria: Sema4 Curation Guidelines. Collection method: curation. Allele origin: germline.
Comment: The BRIP1 c.394A>T (p.T132S) variant has been reported in at least two individuals with breast cancer, but was also reported in healthy controls (PMID: 33471991). It was observed in 3/35396 chromosomes of the Latino subpopulation in the large and broad cohorts of the Genome Aggregation Database (PMID: 32461654). The variant has been reported in ClinVar (Variation ID: 182331). In silico tools suggest the impact of the variant on protein function is benign, though these predictions have not been confirmed by functional studies. There is no indication that this variant causes disease, but the evidence is insufficient currently to prove that conclusively. Thus, the clinical significance of this variant is currently uncertain.

Counsyl
Classification: Uncertain significance for Fanconi anemia complementation group J; Ovarian cancer. Last evaluated: 2017-11-20. Review status: no assertion criteria provided. Collection method: clinical testing. Allele origin: unknown. Not counted in ClinVar's aggregate classification.

Literature cited by the submitters: PubMed 33471991 (cited by 3 submitters).